The following is an entry in ClinVar:

ClinVar aggregate classification (germline): Benign/Likely benign. Review status: criteria provided, multiple submitters, no conflicts (2 of 4 stars). 11 submissions from 11 submitters: Benign (4); Likely benign (3). 4 of the submissions do not count toward it. Last evaluated 2026-02-04.

Conditions:
Mitochondrial DNA depletion syndrome, myopathic form (MTDPS2). Also called: MITOCHONDRIAL DNA DEPLETION SYNDROME 2 (MYOPATHIC TYPE); TK2-Related Mitochondrial DNA Maintenance Defect, Myopathic Form; MITOCHONDRIAL DNA DEPLETION MYOPATHY, TK2-RELATED. Identifiers: Orphanet 254875, MedGen C3149750, MONDO:0012301, OMIM 609560.
Progressive external ophthalmoplegia with mitochondrial DNA deletions, autosomal recessive 3 (PEOB3). Also called: PROGRESSIVE EXTERNAL OPHTHALMOPLEGIA, AUTOSOMAL RECESSIVE 3. Identifiers: Orphanet 254886, MedGen C4310734, MONDO:0014898, OMIM 617069.
TK2-related disorder. Also called: TK2-related condition.

Allele frequency attached by ClinVar (database versions not stated): 1000 Genomes Project 30x 0.00078; 1000 Genomes Project 0.00100; gnomAD 0.00476 and 0.00486; TOPMed 0.00505; gnomAD exomes 0.00521 and 0.00770; ExAC 0.00539; ESP Exome Variant Server 0.00669.
gnomAD v4.1: 11,929 of 1,613,988 alleles (0.74%); highest among the groups gnomAD compares: Non-Finnish European, 0.9%; 75 homozygotes.

Submissions (11):

Labcorp Genetics (formerly Invitae), Labcorp
Classification: Benign. Last evaluated: 2026-02-04. Review status: criteria provided, single submitter. Criteria: Invitae Variant Classification Sherloc (09022015). Collection method: clinical testing. Allele origin: germline.

Fulgent Genetics
Classification: Likely benign for Mitochondrial DNA depletion syndrome, myopathic form; Progressive external ophthalmoplegia with mitochondrial DNA deletions, autosomal recessive 3. Last evaluated: 2021-10-21. Review status: criteria provided, single submitter. Criteria: ACMG Guidelines, 2015. Collection method: clinical testing. Allele origin: unknown.

Athena Diagnostics
Classification: Benign. Last evaluated: 2019-12-31. Review status: criteria provided, single submitter. Criteria: Athena Diagnostics Criteria. Collection method: clinical testing. Allele origin: unknown.

ARUP Laboratories, Molecular Genetics and Genomics, ARUP Laboratories
Classification: Benign. Last evaluated: 2019-11-25. Review status: criteria provided, single submitter. Criteria: ARUP Molecular Germline Variant Investigation Process. Collection method: clinical testing. Allele origin: germline.

Illumina Laboratory Services, Illumina
Classification: Likely benign for Mitochondrial DNA depletion syndrome, myopathic form. Last evaluated: 2018-01-13. Review status: criteria provided, single submitter. Criteria: ICSL Variant Classification Criteria 13 December 2019. Collection method: clinical testing. Allele origin: germline.
Comment: This variant was observed in the ICSL laboratory as part of a predisposition screen in an ostensibly healthy population. It had not been previously curated by ICSL or reported in the Human Gene Mutation Database (HGMD: prior to June 1st, 2018), and was therefore a candidate for classification through an automated scoring system. Utilizing variant allele frequency, disease prevalence and penetrance estimates, and inheritance mode, an automated score was calculated to assess if this variant is too frequent to cause the disease. Based on the score and internal cut-off values, a variant classified as likely benign is not then subjected to further curation. The score for this variant resulted in a classification of likely benign for this disease.

Genome Diagnostics Laboratory, University Medical Center Utrecht
Classification: Likely benign for Mitochondrial DNA depletion syndrome, myopathic form. Last evaluated: 2016-07-08. Review status: criteria provided, single submitter. Criteria: ACGS Guidelines, 2013. Collection method: clinical testing. Allele origin: germline. Affected: yes. Study: VKGL Data-share Consensus.

GeneDx
Classification: Benign. Last evaluated: 2013-01-11. Review status: criteria provided, single submitter. Criteria: GeneDx Variant Classification (06012015). Collection method: clinical testing. Allele origin: germline. Affected: yes.
Comment: This variant is considered likely benign or benign based on one or more of the following criteria: it is a conservative change, it occurs at a poorly conserved position in the protein, it is predicted to be benign by multiple in silico algorithms, and/or has population frequency not consistent with disease.

PreventionGenetics, part of Exact Sciences
Classification: Benign for TK2-related condition. Last evaluated: 2019-05-02. Review status: no assertion criteria provided. Collection method: clinical testing. Allele origin: germline. Not counted in ClinVar's aggregate classification.
Comment: This variant is classified as benign based on ACMG/AMP sequence variant interpretation guidelines (Richards et al. 2015 PMID: 25741868, with internal and published modifications).

Mayo Clinic Laboratories, Mayo Clinic
Classification: Likely benign. Last evaluated: 2016-03-02. Review status: no assertion criteria provided. Collection method: clinical testing. Allele origin: unknown. Not counted in ClinVar's aggregate classification.

Clinical Genetics DNA and cytogenetics Diagnostics Lab, Erasmus MC, Erasmus Medical Center
Classification: Likely benign. Review status: no assertion criteria provided. Collection method: clinical testing. Allele origin: germline. Affected: yes. Study: VKGL Data-share Consensus. Not counted in ClinVar's aggregate classification.

Clinical Genetics, Academic Medical Center
Classification: Benign. Review status: no assertion criteria provided. Collection method: clinical testing. Allele origin: germline. Affected: yes. Study: VKGL Data-share Consensus. Not counted in ClinVar's aggregate classification.

NM_004614.5(TK2):c.231+10C>T

Gene: TK2 (thymidine kinase 2; minus strand). Cytogenetic location: 16q21.
Variant type: single nucleotide variant.
Coding change: c.231+10C>T on transcript NM_004614.5 (MANE Select); 10 bases into the intron after coding-DNA position 231, C replaced by T.
Molecular consequence: intron variant.
Genome position (GRCh38, 1-based): chr16:66,541,869, G>A on the plus strand (C>T on the coding strand, the complement: TK2 is on the minus strand). VCF-style: chr16-66541869-G-A. GRCh37 (hg19) VCF-style: chr16-66575772-G-A.
Other names: c.138+10C>T (NM_001271935.1, NM_001172643.1); c.157-4852C>T (NM_001172644.2); c.231+10C>T (NM_001172645.2); c.84+10C>T (NM_001271934.2); c.-61+10C>T (NM_001272050.2).
Identifiers: ClinVar variation 137668 (VCV000137668.33), dbSNP rs187517309, ClinGen allele CA291322.